The following is an entry in ClinVar:

NM_000443.4(ABCB4):c.3279+5G>C

Gene: ABCB4 (ATP binding cassette subfamily B member 4; minus strand). Cytogenetic location: 7q21.12.
Variant type: single nucleotide variant.
Coding change: c.3279+5G>C on transcript NM_000443.4 (MANE Select); 5 bases into the intron after coding-DNA position 3279, G replaced by C.
Molecular consequence: intron variant.
Genome position (GRCh38, 1-based): chr7:87,408,032, C>G on the plus strand (G>C on the coding strand, the complement: ABCB4 is on the minus strand). VCF-style: chr7-87408032-C-G. GRCh37 (hg19) VCF-style: chr7-87037348-C-G.
Other names: c.3138+5G>C (NM_018850.3); c.3279+5G>C (NM_018849.3).
Identifiers: ClinVar variation 4846362 (VCV004846362.1).

ClinVar aggregate classification (germline): Uncertain significance (1 of 4 stars; one submission).

Conditions:
Familial intrahepatic cholestasis. Identifiers: Orphanet 284385, MedGen CN296401, MONDO:0017290.

Submission:

Genomenon, Inc
Classification: Uncertain significance for Familial intrahepatic cholestasis. Last evaluated: 2026-04-14. Review status: criteria provided, single submitter. Criteria: Genomenon Sequence Variant Interpretation Standards - Updated. Collection method: curation. Allele origin: germline. Affected: yes.
Comment: ABCB4 c.3279+5G>C is an intronic variant located in the donor splice region of intron 25. This variant has been observed in at least one proband with an ABCB4-related disorder (PMID:15077010). It is absent or not present at a significant frequency in gnomAD. In silico models predict that this variant is possibly or probably damaging. In conclusion, we classify ABCB4 c.3279+5G>C as a variant of uncertain significance.

Literature cited by the submitters: PubMed 15077010.